The following is an entry in ClinVar:

ClinVar aggregate classification (germline): Pathogenic (1 of 4 stars; one submission).

Conditions:
Inborn genetic diseases. Identifiers: MedGen C0950123, MeSH D030342.

Submission:

Ambry Genetics
Classification: Pathogenic for Inborn genetic diseases. Last evaluated: 2024-12-11. Review status: criteria provided, single submitter. Criteria: Ambry Variant Classification Scheme 2023. Collection method: clinical testing. Allele origin: germline.
Comment: The c.2596C>T (p.Q866*) alteration, located in exon 32 (coding exon 32) of the COL4A1 gene, consists of a C to T substitution at nucleotide position 2596. This changes the amino acid from a glutamine (Q) to a stop codon at amino acid position 866. This alteration is expected to result in loss of function by premature protein truncation or nonsense-mediated mRNA decay. This variant was not reported in population-based cohorts in the Genome Aggregation Database (gnomAD). Based on the available evidence, this alteration is classified as pathogenic.

NM_001845.6(COL4A1):c.2596C>T (p.Gln866Ter)

Gene: COL4A1 (collagen type IV alpha 1 chain; minus strand). Cytogenetic location: 13q34.
Variant type: single nucleotide variant.
Coding change: c.2596C>T on transcript NM_001845.6 (MANE Select); coding-DNA position 2596, C replaced by T.
Protein change: p.Gln866Ter; replaces glutamine 866 with a stop codon.
Molecular consequence: nonsense.
Genome position (GRCh38, 1-based): chr13:110,178,094, G>A on the plus strand (C>T on the coding strand, the complement: COL4A1 is on the minus strand). VCF-style: chr13-110178094-G-A. GRCh37 (hg19) VCF-style: chr13-110830441-G-A.
Other names: short protein forms Q866*.
Identifiers: ClinVar variation 3835243 (VCV003835243.1).